The following is an entry in ClinVar:

ClinVar aggregate classification (germline): Pathogenic (1 of 4 stars; one submission).

Submission:

Labcorp Genetics (formerly Invitae), Labcorp
Classification: Pathogenic. Last evaluated: 2023-07-14. Review status: criteria provided, single submitter. Criteria: Invitae Variant Classification Sherloc (09022015). Collection method: clinical testing. Allele origin: germline.
Comment: This variant, c.819_845del, results in the deletion of 9 amino acid(s) of the PHEX protein (p.Val274_Ala282del), but otherwise preserves the integrity of the reading frame. This variant is not present in population databases (gnomAD no frequency). For these reasons, this variant has been classified as Pathogenic. This variant disrupts a region of the PHEX protein in which other variant(s) (p.Leu275Pro) have been determined to be pathogenic (PMID: 27840894; Invitae). This suggests that this is a clinically significant region of the protein, and that variants that disrupt it are likely to be disease-causing. ClinVar contains an entry for this variant (Variation ID: 1058288). This variant has been observed in individual(s) with hypophosphatemic rickets (Invitae).

Literature cited by the submitters: PubMed 27840894.

NM_000444.6(PHEX):c.819_845del (p.Val274_Ala282del)

Gene: PHEX (phosphate regulating endopeptidase X-linked; plus strand). Cytogenetic location: Xp22.11.
Variant type: Deletion.
Coding change: c.819_845del on transcript NM_000444.6 (MANE Select); coding-DNA positions 819 to 845, 27 bases deleted (AGTGCTCAGATTGGAAATTAAGATAGC).
Protein change: p.Val274_Ala282del.
Molecular consequence: inframe deletion.
Genome position (GRCh38, 1-based): chrX:22,094,069-22,094,095, AGTGCTCAGATTGGAAATTAAGATAGC deleted; deleting any 27 consecutive bases within chrX:22,094,068-22,094,095 gives the same sequence; the c. name uses the placement nearest the transcript's 3' end. VCF-style (leftmost placement, unchanged base first): chrX-22094067-TCAGTGCTCAGATTGGAAATTAAGATAG-T. GRCh37 (hg19) VCF-style: chrX-22112185-TCAGTGCTCAGATTGGAAATTAAGATAG-T.
Other names: c.819_845del, p.Val274_Ala282del (NM_001282754.2).
Identifiers: ClinVar variation 1058288 (VCV001058288.9), dbSNP rs2147040227, ClinGen allele CA2499226571.